The following is an entry in ClinVar:

NM_178822.5(IGSF10):c.2570_2571del (p.Thr857fs)

Gene: IGSF10 (immunoglobulin superfamily member 10; minus strand). Cytogenetic location: 3q25.1.
Variant type: Microsatellite.
Coding change: c.2570_2571del on transcript NM_178822.5 (MANE Select); coding-DNA positions 2570 to 2571, 2 bases deleted (CA; older notation c.2570_2571delCA).
Protein change: p.Thr857fs; shifts the reading frame from threonine 857.
Molecular consequence: frameshift variant.
Genome position (GRCh38, 1-based): chr3:151,447,410-151,447,411, TG deleted on the plus strand (CA on the coding strand, the reverse complement: IGSF10 is on the minus strand); deleting any 2 consecutive bases within chr3:151,447,410-151,447,413 gives the same sequence; the c. name uses the placement nearest the transcript's 3' end. VCF-style (leftmost placement, unchanged base first): chr3-151447409-CTG-C. GRCh37 (hg19) VCF-style: chr3-151165197-CTG-C.
Other names: c.2570_2571del, p.Thr857fs (NM_001385060.1, NM_001385061.1, NM_001385062.1 and 1 more transcripts); short protein forms T857fs.
Identifiers: ClinVar variation 2732542 (VCV002732542.3), dbSNP rs1236111019, ClinGen allele CA900729619.
Genomic context (GRCh38, chr3:151,447,409, plus strand): 5'-TGGTTGGGTTTATATTCTTTGACATGGCTGTAGTTTTAATAGCAGTAGACAGTTTGAAAT[CTG>C]TGGGTTCTTCAGGTGGTAGTATTTGTGAATTCACAACAGGAGAGAATTCTGTGCCATAAT-3'

ClinVar aggregate classification (germline): Uncertain significance (1 of 4 stars; one submission).

Submission:

Labcorp Genetics (formerly Invitae), Labcorp
Classification: Uncertain significance. Last evaluated: 2023-11-29. Review status: criteria provided, single submitter. Criteria: Invitae Variant Classification Sherloc (09022015). Collection method: clinical testing. Allele origin: germline.
Comment: This sequence change creates a premature translational stop signal (p.Thr857Argfs*9) in the IGSF10 gene. It is expected to result in an absent or disrupted protein product. However, the current clinical and genetic evidence is not sufficient to establish whether loss-of-function variants in IGSF10 cause disease. This variant is not present in population databases (gnomAD no frequency). This variant has not been reported in the literature in individuals affected with IGSF10-related conditions. In summary, the available evidence is currently insufficient to determine the role of this variant in disease. Therefore, it has been classified as a Variant of Uncertain Significance.